The following is an entry in ClinVar:

ClinVar aggregate classification (germline): Uncertain significance (1 of 4 stars; one submission).

Conditions:
Cardiovascular phenotype. Identifiers: MedGen CN230736.
Hereditary cancer-predisposing syndrome. Also called: Neoplastic Syndromes, Hereditary; Tumor predisposition; Hereditary Cancer Syndrome; Hereditary neoplastic syndrome. Identifiers: Orphanet 140162, MedGen C0027672, MeSH D009386, MONDO:0015356.

Submission:

Ambry Genetics
Classification: Uncertain significance for Cardiovascular phenotype; Hereditary cancer-predisposing syndrome. Last evaluated: 2026-06-11. Review status: criteria provided, single submitter. Criteria: Ambry Variant Classification Scheme 2023. Collection method: clinical testing. Allele origin: germline.
Comment: The p.K1290T variant (also known as c.3869A>C), located in coding exon 28 of the NF1 gene, results from an A to C substitution at nucleotide position 3869. The lysine at codon 1290 is replaced by threonine, an amino acid with similar properties. This amino acid position is highly conserved in available vertebrate species. In addition, this alteration is predicted to be deleterious by in silico analysis. Based on the available evidence, the clinical significance of this variant remains unclear.

NM_001042492.3(NF1):c.3869A>C (p.Lys1290Thr)

Gene: NF1 (neurofibromin 1; plus strand). Cytogenetic location: 17q11.2.
Variant type: single nucleotide variant.
Coding change: c.3869A>C on transcript NM_001042492.3 (MANE Select); coding-DNA position 3869, A replaced by C.
Protein change: p.Lys1290Thr; replaces lysine 1290 with threonine.
Molecular consequence: missense variant.
Genome position (GRCh38, 1-based): chr17:31,235,771, A>C. VCF-style: chr17-31235771-A-C. GRCh37 (hg19) VCF-style: chr17-29562789-A-C.
Other names: c.3869A>C, p.Lys1290Thr (NM_000267.4); short protein forms K1290T.
Identifiers: ClinVar variation 4860999 (VCV004860999.1).
Genomic context (GRCh38, chr17:31,235,771, plus strand): 5'-CCATGCAGACTCTCTTCCGAGGCAACAGCTTGGCCAGTAAAATAATGACATTCTGTTTCA[A>C]GGTTTGTATCATTCATTTTGTGTGTATGTGTGTGCTGAGGTATGTCAAGTAATGATTATG-3'
Protein context (NP_001035957.1, residues 1280-1300): LASKIMTFCF[Lys1290Thr]VYGATYLQKL